The following is an entry in ClinVar:

ClinVar aggregate classification (germline): Uncertain significance. Review status: criteria provided, multiple submitters, no conflicts (2 of 4 stars). 2 submissions from 2 submitters: Uncertain significance (2). Last evaluated 2024-01-23.

Conditions:
Inborn genetic diseases. Identifiers: MedGen C0950123, MeSH D030342.
Nephronophthisis 18 (NPHP18). Identifiers: Orphanet 655, MedGen C3890591, MONDO:0014374, OMIM 615862.

Allele frequency attached by ClinVar (database versions not stated): gnomAD exomes below 0.00001; gnomAD 0.00001; TOPMed 0.00003.
gnomAD v4.1: 4 of 1,613,660 alleles (0.00025%); highest among the groups gnomAD compares: Admixed American, 0.0033%; no homozygotes.

Submissions (2):

Ambry Genetics
Classification: Uncertain significance for Inborn genetic diseases. Last evaluated: 2024-01-23. Review status: criteria provided, single submitter. Criteria: Ambry Variant Classification Scheme 2023. Collection method: clinical testing. Allele origin: germline.

Labcorp Genetics (formerly Invitae), Labcorp
Classification: Uncertain significance for Nephronophthisis 18. Last evaluated: 2022-06-28. Review status: criteria provided, single submitter. Criteria: Invitae Variant Classification Sherloc (09022015). Collection method: clinical testing. Allele origin: germline.
Comment: This sequence change replaces arginine, which is basic and polar, with lysine, which is basic and polar, at codon 505 of the CEP83 protein (p.Arg505Lys). This variant is present in population databases (no rsID available, gnomAD 0.003%). This variant has not been reported in the literature in individuals affected with CEP83-related conditions. Algorithms developed to predict the effect of missense changes on protein structure and function are either unavailable or do not agree on the potential impact of this missense change (SIFT: "Not Available"; PolyPhen-2: "Benign"; Align-GVGD: "Not Available"). In summary, the available evidence is currently insufficient to determine the role of this variant in disease. Therefore, it has been classified as a Variant of Uncertain Significance.

NM_016122.3(CEP83):c.1514G>A (p.Arg505Lys)

Gene: CEP83 (centrosomal protein 83; minus strand). Cytogenetic location: 12q22.
Variant type: single nucleotide variant.
Coding change: c.1514G>A on transcript NM_016122.3 (MANE Select); coding-DNA position 1514, G replaced by A.
Protein change: p.Arg505Lys; replaces arginine 505 with lysine.
Molecular consequence: missense variant. On other transcripts: non-coding transcript variant (2).
Genome position (GRCh38, 1-based): chr12:94,333,545, C>T on the plus strand (G>A on the coding strand, the complement: CEP83 is on the minus strand). VCF-style: chr12-94333545-C-T. GRCh37 (hg19) VCF-style: chr12-94727321-C-T.
Other names: c.1514G>A, p.Arg505Lys (NM_001042399.2, NM_001346457.2, NM_001368037.1 and 1 more transcripts); c.1202G>A, p.Arg401Lys (NM_001346458.2, NM_001346459.2, NM_001368039.1 and 1 more transcripts); c.1289G>A, p.Arg430Lys (NM_001368041.1); c.1514G>A (NM_016122.2); short protein forms R401K, R430K, R505K.
Identifiers: ClinVar variation 1989275 (VCV001989275.2), dbSNP rs1394592340, ClinGen allele CA386144178.